The following is an entry in ClinVar:

NM_006073.4(TRDN):c.601_610+45delinsG

Gene: TRDN (triadin; minus strand). Cytogenetic location: 6q22.31.
Variant type: Indel.
Coding change: c.601_610+45delinsG on transcript NM_006073.4 (MANE Select); coding-DNA position 601 through 45 bases into the intron after coding-DNA position 610, the reference bases replaced by G.
Molecular consequence: splice donor variant.
Genome position (GRCh38, 1-based): chr6:123,512,258-123,512,312, 55 bases replaced. GRCh37 (hg19): chr6:123,833,403-123,833,457.
Other names: c.601_610+45delinsG (NM_001251987.2, NM_001256020.2, NM_001256021.2 and 1 more transcripts).
Identifiers: ClinVar variation 1751076 (VCV001751076.4), dbSNP rs2534332866, ClinGen allele CA2580074864.

ClinVar aggregate classification (germline): Conflicting classifications of pathogenicity. Review status: criteria provided, conflicting classifications (1 of 4 stars). 2 submissions from 2 submitters: Likely pathogenic (1); Uncertain significance (1). Last evaluated 2025-01-07.

Conditions:
Cardiovascular phenotype. Identifiers: MedGen CN230736.
Catecholaminergic polymorphic ventricular tachycardia 5 (CARDAR). Also called: CARDIAC ARRHYTHMIA SYNDROME, WITH OR WITHOUT SKELETAL MUSCLE WEAKNESS; Ventricular tachycardia, catecholaminergic polymorphic, 5, with or without muscle weakness. Identifiers: Orphanet 3286, MedGen C3809536, MONDO:0014191, OMIM 615441.

Submissions (2):

Ambry Genetics
Classification: Uncertain significance for Cardiovascular phenotype. Last evaluated: 2025-01-07. Review status: criteria provided, single submitter. Criteria: Ambry Variant Classification Scheme 2023. Collection method: clinical testing. Allele origin: germline.
Comment: The c.601_610+45del55insG variant results from a deletion of 55 nucleotides and insertion of 1 nucleotide between positions c.601 and c.610+45 and involves the canonical splice donor site after coding exon 7 of the TRDN gene. In silico splice site analysis predicts that this alteration will abolish the native splice donor site; however, direct evidence is unavailable and the exact impact of this deletion on TRDN splicing and function is currently unknown. The canonical splice donor site is highly conserved in available vertebrate species. Since supporting evidence is limited at this time, the clinical significance of this alteration remains unclear.

Fulgent Genetics
Classification: Likely pathogenic for Catecholaminergic polymorphic ventricular tachycardia 5. Last evaluated: 2024-03-27. Review status: criteria provided, single submitter. Criteria: ACMG Guidelines, 2015. Collection method: clinical testing. Allele origin: germline.